The following is an entry in ClinVar:

ClinVar aggregate classification (germline): Likely pathogenic. Review status: criteria provided, multiple submitters, no conflicts (2 of 4 stars). 3 submissions from 3 submitters: Likely pathogenic (3). Last evaluated 2024-12-03.

Conditions:
Adams-Oliver syndrome 2 (AOS2). Identifiers: Orphanet 974, MedGen C3280182, MONDO:0013635, OMIM 614219.
Inborn genetic diseases. Identifiers: MedGen C0950123, MeSH D030342.

Submissions (3):

Women's Health and Genetics/Laboratory Corporation of America, LabCorp
Classification: Likely pathogenic for Adams-Oliver syndrome 2. Last evaluated: 2024-12-03. Review status: criteria provided, single submitter. Criteria: LabCorp Variant Classification Summary - May 2015. Collection method: clinical testing. Allele origin: germline.
Comment: Variant summary: DOCK6 c.4650+1_4650+3delGTG is located in a canonical splice-site and is predicted to affect mRNA splicing resulting in a significantly altered protein due to either exon skipping, shortening, or inclusion of intronic material. Variants that disrupt the consensus splice site are a relatively common cause of aberrant splicing and loss of DOCK6 function. Several computational tools predict a significant impact on normal splicing: Four predict the variant abolishes a canonical 5' splicing donor site. However, these predictions have yet to be confirmed by functional studies. The variant was absent in 226428 control chromosomes (gnomAD). To our knowledge, no occurrence of c.4650+1_4650+3delGTG in individuals affected with Adams-Oliver Syndrome 2 and no experimental evidence demonstrating its impact on protein function have been reported. ClinVar contains an entry for this variant (Variation ID: 522049). Based on the evidence outlined above, the variant was classified as likely pathogenic.

Labcorp Genetics (formerly Invitae), Labcorp
Classification: Likely pathogenic. Last evaluated: 2024-07-24. Review status: criteria provided, single submitter. Criteria: Invitae Variant Classification Sherloc (09022015). Collection method: clinical testing. Allele origin: germline.
Comment: This sequence change affects a splice site in intron 36 of the DOCK6 gene. It is expected to disrupt RNA splicing. Variants that disrupt the donor or acceptor splice site typically lead to a loss of protein function (PMID: 16199547), and loss-of-function variants in DOCK6 are known to be pathogenic (PMID: 21820096, 25824905). This variant is not present in population databases (gnomAD no frequency). This variant has not been reported in the literature in individuals affected with DOCK6-related conditions. ClinVar contains an entry for this variant (Variation ID: 522049). Algorithms developed to predict the effect of sequence changes on RNA splicing suggest that this variant may disrupt the consensus splice site. In summary, the currently available evidence indicates that the variant is pathogenic, but additional data are needed to prove that conclusively. Therefore, this variant has been classified as Likely Pathogenic.

Ambry Genetics
Classification: Likely pathogenic for Hereditary disease. Last evaluated: 2017-09-29. Review status: criteria provided, single submitter. Criteria: ambry_reporting_categories_2017. Collection method: clinical testing. Allele origin: germline. Affected: yes. Observed: 1 heterozygote. Segregation with disease observed.
Comment: Lines of evidence used in support of classification: POSITIVE: Relevant Alteration(s) Detected

Literature cited by the submitters: PubMed 16199547 (cited by Labcorp Genetics (formerly Invitae), Labcorp); PubMed 21820096 (cited by Labcorp Genetics (formerly Invitae), Labcorp); PubMed 25824905 (cited by Labcorp Genetics (formerly Invitae), Labcorp and Ambry Genetics); PubMed 25724810 (cited by Ambry Genetics); PubMed 23522784 (cited by Ambry Genetics); PubMed 28884918 (cited by Ambry Genetics); PubMed 28160419 (cited by Ambry Genetics).

NM_020812.4(DOCK6):c.4650+1_4650+3del

Genes: DOCK6-AS1 (DOCK6 antisense RNA 1; plus strand), DOCK6 (dedicator of cytokinesis 6; minus strand). Cytogenetic location: 19p13.2.
Variant type: Deletion.
Coding change: c.4650+1_4650+3del on transcript NM_020812.4 (MANE Select); the canonical splice donor site of the intron after coding-DNA position 4650 through 3 bases into the intron after coding-DNA position 4650, 3 bases deleted (GTG; older notation c.4650+1_4650+3delGTG).
Molecular consequence: splice donor variant.
Genome position (GRCh38, 1-based): chr19:11,211,990-11,211,992, CAC deleted on the plus strand (GTG on the coding strand, the reverse complement: DOCK6 is on the minus strand); deleting any 3 consecutive bases within chr19:11,211,990-11,211,993 gives the same sequence; the c. name uses the placement nearest the transcript's 3' end. VCF-style (leftmost placement, unchanged base first): chr19-11211989-TCAC-T. GRCh37 (hg19) VCF-style: chr19-11322665-TCAC-T.
Other names: c.4650+1_4650+3delGTG (NM_020812.2, NM_020812.4); c.4755+1_4755+3del (NM_001367830.1).
Identifiers: ClinVar variation 522049 (VCV000522049.6), dbSNP rs1280482569, ClinGen allele CA658799169.